The following is an entry in ClinVar:

ClinVar aggregate classification (germline): Uncertain significance (1 of 4 stars; one submission).

Submission:

GeneDx
Classification: Uncertain significance. Last evaluated: 2023-07-17. Review status: criteria provided, single submitter. Criteria: GeneDx Variant Classification Process June 2021. Collection method: clinical testing. Allele origin: germline. Affected: yes.
Comment: Not observed at significant frequency in large population cohorts (gnomAD); Canonical splice site variant in a gene or region of a gene for which loss of function is not a well-established mechanism of disease; Has not been previously published as pathogenic or benign to our knowledge

NM_001846.4(COL4A2):c.3271+1G>C

Gene: COL4A2 (collagen type IV alpha 2 chain; plus strand). Cytogenetic location: 13q34.
Variant type: single nucleotide variant.
Coding change: c.3271+1G>C on transcript NM_001846.4 (MANE Select); the canonical splice donor site of the intron after coding-DNA position 3271, G replaced by C.
Molecular consequence: splice donor variant.
Genome position (GRCh38, 1-based): chr13:110,489,509, G>C. VCF-style: chr13-110489509-G-C. GRCh37 (hg19) VCF-style: chr13-111141856-G-C.
Identifiers: ClinVar variation 3360861 (VCV003360861.1).